The following is an entry in ClinVar:

NM_018706.7(DHTKD1):c.1916C>T (p.Ser639Leu)

Gene: DHTKD1 (dehydrogenase E1 and transketolase domain containing 1; plus strand). Cytogenetic location: 10p14.
Variant type: single nucleotide variant.
Coding change: c.1916C>T on transcript NM_018706.7 (MANE Select); coding-DNA position 1916, C replaced by T.
Protein change: p.Ser639Leu; replaces serine 639 with leucine.
Molecular consequence: missense variant.
Genome position (GRCh38, 1-based): chr10:12,106,265, C>T. VCF-style: chr10-12106265-C-T. GRCh37 (hg19) VCF-style: chr10-12148264-C-T.
Other names: short protein forms S639L.
Identifiers: ClinVar variation 3665371 (VCV003665371.2).

ClinVar aggregate classification (germline): Uncertain significance (1 of 4 stars; one submission).

Conditions:
2-aminoadipic 2-oxoadipic aciduria (AAKAD). Also called: Aminoadipic aciduria; ALPHA-AMINOADIPIC AND ALPHA-KETOADIPIC ACIDURIA. Identifiers: Orphanet 79154, MedGen C1859817, MONDO:0008774, OMIM 204750.

gnomAD v4.1: 1 of 1,614,140 alleles (0.000062%); highest among the groups gnomAD compares: South Asian, 0.0011%; no homozygotes.

Submission:

Labcorp Genetics (formerly Invitae), Labcorp
Classification: Uncertain significance for 2-aminoadipic 2-oxoadipic aciduria. Last evaluated: 2025-02-02. Review status: criteria provided, single submitter. Criteria: Invitae Variant Classification Sherloc (09022015). Collection method: clinical testing. Allele origin: germline.
Comment: This sequence change replaces serine, which is neutral and polar, with leucine, which is neutral and non-polar, at codon 639 of the DHTKD1 protein (p.Ser639Leu). This variant is not present in population databases (gnomAD no frequency). This variant has not been reported in the literature in individuals affected with DHTKD1-related conditions. Invitae Evidence Modeling of protein sequence and biophysical properties (such as structural, functional, and spatial information, amino acid conservation, physicochemical variation, residue mobility, and thermodynamic stability) indicates that this missense variant is expected to disrupt DHTKD1 protein function with a positive predictive value of 80%. In summary, the available evidence is currently insufficient to determine the role of this variant in disease. Therefore, it has been classified as a Variant of Uncertain Significance.